The following is an entry in ClinVar:

NM_001040142.2(SCN2A):c.2050C>T (p.Arg684Trp)

Gene: SCN2A (sodium voltage-gated channel alpha subunit 2; plus strand). Cytogenetic location: 2q24.3.
Variant type: single nucleotide variant.
Coding change: c.2050C>T on transcript NM_001040142.2 (MANE Select); coding-DNA position 2050, C replaced by T.
Protein change: p.Arg684Trp; replaces arginine 684 with tryptophan.
Molecular consequence: missense variant.
Genome position (GRCh38, 1-based): chr2:165,326,885, C>T. VCF-style: chr2-165326885-C-T. GRCh37 (hg19) VCF-style: chr2-166183395-C-T.
Other names: p.R684W:CGG>TGG; c.2050C>T, p.Arg684Trp (NM_001040143.2, NM_001371246.1, NM_001371247.1 and 1 more transcripts); short protein forms R684W.
Identifiers: ClinVar variation 207071 (VCV000207071.36), dbSNP rs200783308, ClinGen allele CA318165.

ClinVar aggregate classification (germline): Conflicting classifications of pathogenicity. Review status: criteria provided, conflicting classifications (1 of 4 stars). 7 submissions from 7 submitters: Uncertain significance (1); Likely benign (6). Last evaluated 2026-02-01.

Conditions:
SCN2A-related disorder. Also called: SCN2A-related condition; SCN2A-related disorders. Identifiers: MedGen CN382226, MONDO:1060245.
Developmental and epileptic encephalopathy, 11 (DEE11). Also called: Early infantile epileptic encephalopathy 11. Identifiers: Orphanet 1934, MedGen C3150987, MONDO:0013388, OMIM 613721.
Seizures, benign familial infantile, 3 (BFIS3). Also called: CONVULSIONS, BENIGN FAMILIAL INFANTILE, 3; Familial neonatal seizures. Identifiers: Orphanet 140927, Orphanet 306, MedGen C1843140, MONDO:0011904, OMIM 607745.
Inborn genetic diseases. Identifiers: MedGen C0950123, MeSH D030342.

Allele frequency attached by ClinVar (database versions not stated): ExAC 0.00020; ESP Exome Variant Server 0.00031; TOPMed 0.00006; gnomAD exomes 0.00009 and 0.00018; gnomAD 0.00012.
gnomAD v4.1: 147 of 1,613,788 alleles (0.0091%); highest among the groups gnomAD compares: African/African-American, 0.0093%; no homozygotes.

Submissions (7):

CeGaT Center for Human Genetics Tuebingen
Classification: Likely benign. Last evaluated: 2026-02-01. Review status: criteria provided, single submitter. Criteria: CeGaT Center For Human Genetics Tuebingen Variant Classification Criteria Version 2. Collection method: clinical testing. Allele origin: germline. Affected: yes. Observed: 2 variant alleles.
Comment: SCN2A: BS2

Labcorp Genetics (formerly Invitae), Labcorp
Classification: Likely benign for Seizures, benign familial infantile, 3; Developmental and epileptic encephalopathy, 11. Last evaluated: 2025-12-02. Review status: criteria provided, single submitter. Criteria: Invitae Variant Classification Sherloc (09022015). Collection method: clinical testing. Allele origin: germline.

PreventionGenetics, part of Exact Sciences
Classification: Likely benign for SCN2A-related condition. Last evaluated: 2025-05-23. Review status: criteria provided, single submitter. Criteria: ACMG Guidelines, 2015. Collection method: clinical testing. Allele origin: germline.
Comment: This variant is classified as likely benign based on ACMG/AMP sequence variant interpretation guidelines (Richards et al. 2015 PMID: 25741868, with internal and published modifications).

Blueprint Genetics
Classification: Likely benign. Last evaluated: 2023-11-22. Review status: criteria provided, single submitter. Criteria: ACMG Guidelines, 2015. Collection method: clinical testing. Allele origin: germline.

GeneDx
Classification: Likely benign. Last evaluated: 2020-11-02. Review status: criteria provided, single submitter. Criteria: GeneDx Variant Classification Process June 2021. Collection method: clinical testing. Allele origin: germline. Affected: yes.

Genetic Services Laboratory, University of Chicago
Classification: Likely benign. Last evaluated: 2018-03-06. Review status: criteria provided, single submitter. Criteria: ACMG Guidelines, 2015. Collection method: clinical testing. Allele origin: germline. Affected: no.

Ambry Genetics
Classification: Uncertain significance for Inborn genetic diseases. Last evaluated: 2016-09-30. Review status: criteria provided, single submitter. Criteria: Ambry Variant Classification Scheme 2023. Collection method: clinical testing. Allele origin: germline.
Comment: The p.R684W variant (also known as c.2050C>T), located in coding exon 12 of the SCN2A gene, results from a C to T substitution at nucleotide position 2050. The arginine at codon 684 is replaced by tryptophan, an amino acid with dissimilar properties. This variant was previously reported in the SNPDatabase as rs200783308. Based on data from the NHLBI Exome Sequencing Project (ESP), the T allele has an overall frequency of approximately 0.03% (4/13006) total alleles studied, having been observed in 0.02% (1/4406) African American alleles and 0.03% (3/8600) European American alleles. This amino acid position is not well conserved in available vertebrate species. In addition, the in silico prediction for this alteration is inconclusive. Since supporting evidence is limited at this time, the clinical significance of this variant remains unclear.